The following is an entry in ClinVar:

ClinVar aggregate classification (germline): Uncertain significance (1 of 4 stars; one submission).

Allele frequency attached by ClinVar (database versions not stated): gnomAD exomes 0.00001; ExAC 0.00004.
gnomAD v4.1: 13 of 1,613,968 alleles (0.00081%); highest among the groups gnomAD compares: South Asian, 0.012%; no homozygotes.

Submission:

Labcorp Genetics (formerly Invitae), Labcorp
Classification: Uncertain significance. Last evaluated: 2023-07-10. Review status: criteria provided, single submitter. Criteria: Invitae Variant Classification Sherloc (09022015). Collection method: clinical testing. Allele origin: germline.
Comment: In summary, the available evidence is currently insufficient to determine the role of this variant in disease. Therefore, it has been classified as a Variant of Uncertain Significance. Advanced modeling of protein sequence and biophysical properties (such as structural, functional, and spatial information, amino acid conservation, physicochemical variation, residue mobility, and thermodynamic stability) performed at Invitae indicates that this missense variant is not expected to disrupt COL9A1 protein function. ClinVar contains an entry for this variant (Variation ID: 1951472). This variant has not been reported in the literature in individuals affected with COL9A1-related conditions. This variant is present in population databases (rs748617445, gnomAD 0.03%). This sequence change replaces isoleucine, which is neutral and non-polar, with threonine, which is neutral and polar, at codon 473 of the COL9A1 protein (p.Ile473Thr).

NM_001851.6(COL9A1):c.1418T>C (p.Ile473Thr)

Gene: COL9A1 (collagen type IX alpha 1 chain; minus strand). Cytogenetic location: 6q13.
Variant type: single nucleotide variant.
Coding change: c.1418T>C on transcript NM_001851.6 (MANE Select); coding-DNA position 1418, T replaced by C.
Protein change: p.Ile473Thr; replaces isoleucine 473 with threonine.
Molecular consequence: missense variant. On other transcripts: non-coding transcript variant (1).
Genome position (GRCh38, 1-based): chr6:70,260,688, A>G on the plus strand (T>C on the coding strand, the complement: COL9A1 is on the minus strand). VCF-style: chr6-70260688-A-G. GRCh37 (hg19) VCF-style: chr6-70970391-A-G.
Other names: c.689T>C, p.Ile230Thr (NM_001377289.1, NM_001377290.1, NM_078485.4); short protein forms I473T, I230T.
Identifiers: ClinVar variation 1951472 (VCV001951472.4), dbSNP rs748617445, ClinGen allele CA3882224.
Genomic context (GRCh38, chr6:70,260,688, plus strand): 5'-GTATTATATTATTGTCATCACCATCTTACTTTTTCCCCTTTGTCCCCAACTATGCCGGTG[A>G]TGCCTCGCAAACCCTGGGCTCCCTGGAAATGTGAAAAAGAGAAGTGAATTATTTTAGTTG-3'
Protein context (NP_001842.3, residues 463-483): GPPGAQGLRG[Ile473Thr]TGIVGDKGEK